The following is an entry in ClinVar:

ClinVar aggregate classification (germline): Conflicting classifications of pathogenicity. Review status: criteria provided, conflicting classifications (1 of 4 stars). 5 submissions from 5 submitters: Uncertain significance (4); Likely benign (1). Last evaluated 2026-01-05.

Conditions:
Growth delay due to insulin-like growth factor I resistance. Also called: Somatomedin end-organ insensitivity to; Somatomedin-c resistance to; IGF-1 resistance; IGF-I RESISTANCE; Insulin-Like Growth Factor I Resistance. Identifiers: Orphanet 73273, MedGen C1849157, MONDO:0010038, OMIM 270450.

Allele frequency attached by ClinVar (database versions not stated): gnomAD exomes 0.00033 and 0.00038; ExAC 0.00043; 1000 Genomes Project 30x 0.00062; gnomAD 0.00066 and 0.00067; 1000 Genomes Project 0.00080; TOPMed 0.00082; ESP Exome Variant Server 0.00100.
gnomAD v4.1: 647 of 1,612,020 alleles (0.04%); highest among the groups gnomAD compares: African/African-American, 0.1%; no homozygotes.

Submissions (5):

Labcorp Genetics (formerly Invitae), Labcorp
Classification: Likely benign. Last evaluated: 2026-01-05. Review status: criteria provided, single submitter. Criteria: Invitae Variant Classification Sherloc (09022015). Collection method: clinical testing. Allele origin: germline.

Women's Health and Genetics/Laboratory Corporation of America, LabCorp
Classification: Uncertain significance. Last evaluated: 2025-01-20. Review status: criteria provided, single submitter. Criteria: LabCorp Variant Classification Summary - May 2015. Collection method: clinical testing. Allele origin: germline.
Comment: Variant summary: IGF1R c.4009C>T (p.Arg1337Cys) results in a non-conservative amino acid change in the encoded protein sequence. Five of five in-silico tools predict a damaging effect of the variant on protein function. The variant allele was found at a frequency of 0.0004 in 1612020 control chromosomes (gnomAD database v4). This frequency is not significantly higher than estimated for a pathogenic variant in IGF1R causing Growth Delay Due To Insulin-Like Growth Factor I Resistance, allowing no conclusion about variant significance. c.4009C>T has been reported in the literature in individuals affected with Short Stature (Perchard_2020). These report(s) do not provide unequivocal conclusions about association of the variant with Growth Delay Due To Insulin-Like Growth Factor I Resistance. To our knowledge, no experimental evidence demonstrating an impact on protein function has been reported. The following publication have been ascertained in the context of this evaluation (PMID: 32939436). ClinVar contains an entry for this variant (Variation ID: 195568). Based on the evidence outlined above, the variant was classified as uncertain significance.

GeneDx
Classification: Uncertain significance. Last evaluated: 2023-01-10. Review status: criteria provided, single submitter. Criteria: GeneDx Variant Classification Process June 2021. Collection method: clinical testing. Allele origin: germline. Affected: yes.
Comment: In silico analysis supports that this missense variant has a deleterious effect on protein structure/function; This variant is associated with the following publications: (PMID: 25040157, 32939436, 35082626)

Illumina Laboratory Services, Illumina
Classification: Uncertain significance for Growth delay due to insulin-like growth factor I resistance. Last evaluated: 2017-04-27. Review status: criteria provided, single submitter. Criteria: ICSL Variant Classification Criteria 13 December 2019. Collection method: clinical testing. Allele origin: germline.
Comment: This variant was observed as part of a predisposition screen in an ostensibly healthy population. A literature search was performed for the gene, cDNA change, and amino acid change (where applicable). Publications were found based on this search. However, the evidence from the literature, in combination with allele frequency data from public databases where available, was not sufficient to rule this variant in or out of causing disease. Therefore, this variant is classified as a variant of unknown significance.

Eurofins Ntd Llc (ga)
Classification: Uncertain significance. Last evaluated: 2015-04-03. Review status: criteria provided, single submitter. Criteria: EGL Classification Definitions 2015. Collection method: clinical testing. Allele origin: germline. Observed: 1 variant allele, 1 heterozygote.

Literature cited by the submitters: PubMed 32939436 (cited by Women's Health and Genetics/Laboratory Corporation of America, LabCorp); PubMed 25040157 (cited by Illumina Laboratory Services, Illumina); PubMed 23147026 (cited by Eurofins Ntd Llc (ga)).

NM_000875.5(IGF1R):c.4009C>T (p.Arg1337Cys)

Gene: IGF1R (insulin like growth factor 1 receptor; plus strand). Cytogenetic location: 15q26.3.
Variant type: single nucleotide variant.
Coding change: c.4009C>T on transcript NM_000875.5 (MANE Select); coding-DNA position 4009, C replaced by T.
Protein change: p.Arg1337Cys; replaces arginine 1337 with cysteine.
Molecular consequence: missense variant.
Genome position (GRCh38, 1-based): chr15:98,957,347, C>T. VCF-style: chr15-98957347-C-T. GRCh37 (hg19) VCF-style: chr15-99500576-C-T.
Other names: c.4006C>T, p.Arg1336Cys (NM_001291858.2); short protein forms R1337C, R1336C.
Identifiers: ClinVar variation 195568 (VCV000195568.19), dbSNP rs141802822, ClinGen allele CA242039.